The following is an entry in ClinVar:

NM_003823.4(TNFRSF6B):c.837G>T (p.Ala279=)

Genes: RTEL1-TNFRSF6B (RTEL1-TNFRSF6B readthrough (NMD candidate); plus strand), TNFRSF6B (TNF receptor superfamily member 6b; plus strand), RTEL1 (regulator of telomere elongation helicase 1; plus strand). Cytogenetic location: 20q13.33.
Variant type: single nucleotide variant.
Coding change: c.837G>T on transcript NM_003823.4 (MANE Select); coding-DNA position 837, G replaced by T.
Protein change: p.Ala279=; no amino-acid change (alanine 279 retained).
Molecular consequence: synonymous variant. On other transcripts: non-coding transcript variant (1).
Genome position (GRCh38, 1-based): chr20:63,698,497, G>T. VCF-style: chr20-63698497-G-T. GRCh37 (hg19) VCF-style: chr20-62329850-G-T.
Other names: c.837G>T (NM_003823.3).
Identifiers: ClinVar variation 550568 (VCV000550568.11), dbSNP rs541025487, ClinGen allele CA9966638.
Genomic context (GRCh38, chr20:63,698,497, plus strand): 5'-GCGGCTCACGGAGCTCCTGGGGGCGCAGGACGGGGCGCTGCTGGTGCGGCTGCTGCAGGC[G>T]CTGCGCGTGGCCAGGATGCCCGGGCTGGAGCGGAGCGTCCGTGAGCGCTTCCTCCCTGTG-3'
Protein context (NP_003814.1, residues 269-289): DGALLVRLLQ[Ala279=]LRVARMPGLE

ClinVar aggregate classification (germline): Likely benign. Review status: criteria provided, multiple submitters, no conflicts (2 of 4 stars). 3 submissions from 3 submitters: Likely benign (2). 1 of the submissions does not count toward it. Last evaluated 2026-02-12.

Conditions:
Dyskeratosis congenita, autosomal recessive 5 (DKCB5). Identifiers: MedGen C3554656, MONDO:0014076, OMIM 615190.
TNFRSF6B-related disorder. Also called: TNFRSF6B-related condition.

Allele frequency attached by ClinVar (database versions not stated): TOPMed 0.00004; 1000 Genomes Project 30x 0.00078.

Submissions (3):

PreventionGenetics, part of Exact Sciences
Classification: Likely benign for TNFRSF6B-related condition. Last evaluated: 2026-02-12. Review status: criteria provided, single submitter. Criteria: ACMG Guidelines, 2015. Collection method: clinical testing. Allele origin: germline.
Comment: This variant is classified as likely benign based on ACMG/AMP sequence variant interpretation guidelines (Richards et al. 2015 PMID: 25741868, with internal and published modifications).

Labcorp Genetics (formerly Invitae), Labcorp
Classification: Likely benign. Last evaluated: 2026-01-12. Review status: criteria provided, single submitter. Criteria: Invitae Variant Classification Sherloc (09022015). Collection method: clinical testing. Allele origin: germline.

Counsyl
Classification: Uncertain significance for Dyskeratosis congenita, autosomal recessive 5. Last evaluated: 2017-02-01. Review status: no assertion criteria provided. Collection method: clinical testing. Allele origin: unknown. Not counted in ClinVar's aggregate classification.